The following is an entry in ClinVar:

ClinVar aggregate classification (germline): Uncertain significance (1 of 4 stars; one submission).

Conditions:
Desbuquois dysplasia 1 (DBQD1). Also called: MICROMELIC DWARFISM WITH VERTEBRAL AND METAPHYSEAL ABNORMALITIES AND ADVANCED CARPOTARSAL OSSIFICATION; DESBUQUOIS DYSPLASIA 1, KIM VARIANT. Identifiers: Orphanet 1425, MedGen C4012146, MONDO:0009629, OMIM 251450.

Allele frequency attached by ClinVar (database versions not stated): ExAC 0.00001; gnomAD exomes 0.00001.
gnomAD v4.1: 3 of 1,614,178 alleles (0.00019%); highest among the groups gnomAD compares: Admixed American, 0.005%; no homozygotes.

Submission:

Labcorp Genetics (formerly Invitae), Labcorp
Classification: Uncertain significance for Desbuquois dysplasia 1. Last evaluated: 2021-09-02. Review status: criteria provided, single submitter. Criteria: Invitae Variant Classification Sherloc (09022015). Collection method: clinical testing. Allele origin: germline.
Comment: This sequence change replaces threonine with arginine at codon 822 of the XYLT1 protein (p.Thr822Arg). The threonine residue is highly conserved and there is a moderate physicochemical difference between threonine and arginine. This variant is present in population databases (rs781285104, ExAC 0.009%). This variant has not been reported in the literature in individuals affected with XYLT1-related conditions. Algorithms developed to predict the effect of missense changes on protein structure and function are either unavailable or do not agree on the potential impact of this missense change (SIFT: "Deleterious"; PolyPhen-2: "Probably Damaging"; Align-GVGD: "Class C15"). In summary, the available evidence is currently insufficient to determine the role of this variant in disease. Therefore, it has been classified as a Variant of Uncertain Significance.

NM_022166.4(XYLT1):c.2465C>G (p.Thr822Arg)

Gene: XYLT1 (xylosyltransferase 1; minus strand). Cytogenetic location: 16p12.3.
Variant type: single nucleotide variant.
Coding change: c.2465C>G on transcript NM_022166.4 (MANE Select); coding-DNA position 2465, C replaced by G.
Protein change: p.Thr822Arg; replaces threonine 822 with arginine.
Molecular consequence: missense variant.
Genome position (GRCh38, 1-based): chr16:17,117,738, G>C on the plus strand (C>G on the coding strand, the complement: XYLT1 is on the minus strand). VCF-style: chr16-17117738-G-C. GRCh37 (hg19) VCF-style: chr16-17211595-G-C.
Other names: short protein forms T822R.
Identifiers: ClinVar variation 1396371 (VCV001396371.5), dbSNP rs781285104, ClinGen allele CA7927572.